The following is an entry in ClinVar:

NM_020778.5(ALPK3):c.55dup (p.Ala19fs)

Gene: ALPK3 (alpha kinase 3; plus strand). Cytogenetic location: 15q25.3.
Variant type: Duplication.
Coding change: c.55dup on transcript NM_020778.5 (MANE Select); coding-DNA position 55, one base duplicated (G; older notation c.55dupG).
Protein change: p.Ala19fs; shifts the reading frame from alanine 19.
Molecular consequence: frameshift variant.
Genome position (GRCh38, 1-based): chr15:84,817,507, G duplicated; the last of 5 consecutive G bases (chr15:84,817,503-84,817,507); duplicating any one gives the same sequence. VCF-style (leftmost placement, unchanged base first): chr15-84817502-C-CG. GRCh37 (hg19) VCF-style: chr15-85360733-C-CG.
Other names: short protein forms A19fs.
Identifiers: ClinVar variation 2804040 (VCV002804040.3), dbSNP rs2505689216, ClinGen allele CA912994710.
Genomic context (GRCh38, chr15:84,817,502, plus strand): 5'-AGGGCGGTGCCATGGGGTCGCGGAGGGCCCCCAGCCGGGGCTGGGGCGCGGGTGGGCGGT[C>CG]GGGGGCGGGGGGCGACGGTGAGGACGACGGCCCCGTGTGGATCCCCAGCCCAGCCAGCCG-3'

ClinVar aggregate classification (germline): Pathogenic (1 of 4 stars; one submission).

Submission:

Labcorp Genetics (formerly Invitae), Labcorp
Classification: Pathogenic. Last evaluated: 2024-12-16. Review status: criteria provided, single submitter. Criteria: Invitae Variant Classification Sherloc (09022015). Collection method: clinical testing. Allele origin: germline.
Comment: This sequence change creates a premature translational stop signal (p.Ala221Glyfs*6) in the ALPK3 gene. It is expected to result in an absent or disrupted protein product. Loss-of-function variants in ALPK3 are known to be pathogenic (PMID: 21441111, 26846950, 27106955, 34263907). This variant is not present in population databases (gnomAD no frequency). This variant has not been reported in the literature in individuals affected with ALPK3-related conditions. ClinVar contains an entry for this variant (Variation ID: 2804040). For these reasons, this variant has been classified as Pathogenic.

Literature cited by the submitters: PubMed 21441111; PubMed 26846950; PubMed 27106955; PubMed 34263907.